The following is an entry in ClinVar:

ClinVar aggregate classification (germline): Uncertain significance (1 of 4 stars; one submission).

Allele frequency attached by ClinVar (database versions not stated): gnomAD exomes below 0.00001.
gnomAD v4.1: 1 of 1,572,586 alleles (0.000064%); highest among the groups gnomAD compares: Non-Finnish European, 0.000087%; no homozygotes.

Submission:

Labcorp Genetics (formerly Invitae), Labcorp
Classification: Uncertain significance. Last evaluated: 2022-03-26. Review status: criteria provided, single submitter. Criteria: Invitae Variant Classification Sherloc (09022015). Collection method: clinical testing. Allele origin: germline.
Comment: This sequence change replaces isoleucine, which is neutral and non-polar, with methionine, which is neutral and non-polar, at codon 176 of the SLC9A3 protein (p.Ile176Met). This variant is not present in population databases (gnomAD no frequency). This variant has not been reported in the literature in individuals affected with SLC9A3-related conditions. Algorithms developed to predict the effect of missense changes on protein structure and function are either unavailable or do not agree on the potential impact of this missense change (SIFT: "Not Available"; PolyPhen-2: "Possibly Damaging"; Align-GVGD: "Not Available"). In summary, the available evidence is currently insufficient to determine the role of this variant in disease. Therefore, it has been classified as a Variant of Uncertain Significance.

NM_004174.4(SLC9A3):c.528T>G (p.Ile176Met)

Gene: SLC9A3 (solute carrier family 9 member A3). Cytogenetic location: 5p15.33.
Variant type: single nucleotide variant.
Coding change: c.528T>G on transcript NM_004174.4 (MANE Select); coding-DNA position 528, T replaced by G.
Protein change: p.Ile176Met; replaces isoleucine 176 with methionine.
Molecular consequence: missense variant.
Genome position (GRCh38, 1-based): chr5:488,463, A>C on the plus strand (T>G on the coding strand, the complement: SLC9A3 is on the minus strand). VCF-style: chr5-488463-A-C. GRCh37 (hg19) VCF-style: chr5-488578-A-C.
Other names: c.528T>G, p.Ile176Met (NM_001284351.3); short protein forms I176M.
Identifiers: ClinVar variation 1939714 (VCV001939714.2), dbSNP rs2477611234, ClinGen allele CA359030165.